The following is an entry in ClinVar:

NM_000059.4(BRCA2):c.4037C>A (p.Thr1346Asn)

Gene: BRCA2 (BRCA2 DNA repair associated; plus strand). Cytogenetic location: 13q13.1.
Variant type: single nucleotide variant.
Coding change: c.4037C>A on transcript NM_000059.4 (MANE Select); coding-DNA position 4037, C replaced by A.
Protein change: p.Thr1346Asn; replaces threonine 1346 with asparagine.
Molecular consequence: missense variant.
Genome position (GRCh38, 1-based): chr13:32,338,392, C>A. VCF-style: chr13-32338392-C-A. GRCh37 (hg19) VCF-style: chr13-32912529-C-A.
Other names: short protein forms T1346N.
Identifiers: ClinVar variation 433781 (VCV000433781.13), dbSNP rs1555283519, ClinGen allele CA387779081.

ClinVar aggregate classification (germline): Conflicting classifications of pathogenicity. Review status: criteria provided, conflicting classifications (1 of 4 stars). 5 submissions from 5 submitters: Uncertain significance (3); Likely benign (1). 1 of the submissions does not count toward it. Last evaluated 2024-10-07.

Conditions:
Hereditary cancer-predisposing syndrome. Also called: Hereditary Cancer Syndrome; Hereditary neoplastic syndrome; Neoplastic Syndromes, Hereditary; Tumor predisposition. Identifiers: Orphanet 140162, MedGen C0027672, MeSH D009386, MONDO:0015356.
Hereditary breast ovarian cancer syndrome. Also called: Hereditary breast and ovarian cancer syndrome (HBOC); Breast and ovarian cancer; BRCA1- and BRCA2-Associated Hereditary Breast and Ovarian Cancer; Hereditary breast and/or ovarian cancer syndrome; Hereditary breast and ovarian cancer; Hereditary breast and ovarian cancer syndrome. Identifiers: Orphanet 145, MedGen C0677776, MeSH D061325, MONDO:0003582. Disease mechanism: loss of function.
Malignant tumor of breast. Also called: Malignant breast neoplasm; Cancer breast. Identifiers: MedGen C0006142, MONDO:0007254. Disease mechanism: loss of function.

Submissions (5):

Labcorp Genetics (formerly Invitae), Labcorp
Classification: Uncertain significance for Hereditary breast ovarian cancer syndrome. Last evaluated: 2024-10-07. Review status: criteria provided, single submitter. Criteria: Invitae Variant Classification Sherloc (09022015). Collection method: clinical testing. Allele origin: germline.
Comment: This sequence change replaces threonine, which is neutral and polar, with asparagine, which is neutral and polar, at codon 1346 of the BRCA2 protein (p.Thr1346Asn). This variant is not present in population databases (gnomAD no frequency). This missense change has been observed in individual(s) with breast cancer (PMID: 31825140). ClinVar contains an entry for this variant (Variation ID: 433781). Invitae Evidence Modeling of protein sequence and biophysical properties (such as structural, functional, and spatial information, amino acid conservation, physicochemical variation, residue mobility, and thermodynamic stability) indicates that this missense variant is not expected to disrupt BRCA2 protein function with a negative predictive value of 95%. In summary, the available evidence is currently insufficient to determine the role of this variant in disease. Therefore, it has been classified as a Variant of Uncertain Significance.

GeneDx
Classification: Uncertain significance. Last evaluated: 2024-04-05. Review status: criteria provided, single submitter. Criteria: GeneDx Variant Classification Process June 2021. Collection method: clinical testing. Allele origin: germline. Affected: yes.
Comment: Not observed at significant frequency in large population cohorts (gnomAD); In silico analysis supports that this missense variant has a deleterious effect on protein structure/function; Has not been previously published as pathogenic or benign to our knowledge; Also known as 4265C>A; This variant is associated with the following publications: (PMID: 31825140, 32467295)

University of Washington Department of Laboratory Medicine, University of Washington
Classification: Likely benign for Hereditary cancer-predisposing syndrome. Last evaluated: 2023-03-23. Review status: criteria provided, single submitter. Criteria: Dines et al. (Genet Med. 2020). Collection method: curation. Allele origin: germline.
Comment: Missense variant in a coldspot region where missense variants are very unlikely to be pathogenic (PMID:31911673).

BRCA2 exon 11 coldspot. Reclassification based on statistical prior probability.

Sema4
Classification: Uncertain significance for Hereditary cancer-predisposing syndrome. Last evaluated: 2021-08-18. Review status: criteria provided, single submitter. Criteria: Sema4 Curation Guidelines. Collection method: curation. Allele origin: germline.
Comment: The BRCA2 c.4037C>A (p.T1346N) variant has not been reported in literature to our knowledge. This variant was not observed in the large and broad cohorts of the Genome Aggregation Database (PMID: 32461654). This variant has been reported in ClinVar (Variation ID 433781). Functional studies have not been performed, and in silico tool predictions of the variant's effect on protein function are inconclusive. The overall evidence is insufficient to meet ACMG/AMP criteria for classifying it as benign or pathogenic. In summary, the clinical significance of this variant is currently uncertain.

Department of Pathology and Laboratory Medicine, Sinai Health System
Classification: Uncertain significance for Malignant tumor of breast. Review status: no assertion criteria provided. Collection method: clinical testing. Allele origin: unknown. Affected: yes. Study: The Canadian Open Genetics Repository (COGR). Not counted in ClinVar's aggregate classification.
Comment: The p.Thr1346Asn variant was not identified in the literature nor was it identified in the dbSNP, NHLBI Exome Sequencing Project (Exome Variant Server), HGMD, LOVD, COSMIC, UMD, ClinVar, or BIC databases. The p.Thr1346 residue is not conserved in mammals and four out of five computational analyses (PolyPhen-2, SIFT, AlignGVGD, BLOSUM, MutationTaster) provide inconsistent predictions regarding the clinical significance of this variant and this information is not predictive enough to rule out pathogenicity. In addition, in silico or computational prediction software programs (SpliceSiteFinder, MaxEntScan, NNSPLICE, GeneSplicer, HumanSpliceFinder) do not predict a difference in splicing. In summary, based on the above information, the clinical significance of this variant cannot be determined with certainty at this time. This variant is classified as a variant of unknown significance.

Literature cited by the submitters: PubMed 31825140 (cited by Labcorp Genetics (formerly Invitae), Labcorp).